The following is an entry in ClinVar:

NM_001370259.2(MEN1):c.784-1G>A

Gene: MEN1 (menin 1; minus strand). Cytogenetic location: 11q13.1.
Variant type: single nucleotide variant.
Coding change: c.784-1G>A on transcript NM_001370259.2 (MANE Select); the canonical splice acceptor site of the intron before coding-DNA position 784, G replaced by A.
Molecular consequence: splice acceptor variant.
Genome position (GRCh38, 1-based): chr11:64,807,220, C>T on the plus strand (G>A on the coding strand, the complement: MEN1 is on the minus strand). VCF-style: chr11-64807220-C-T. GRCh37 (hg19) VCF-style: chr11-64574692-C-T.
Other names: c.799-1G>A (NM_130804.3, NM_130803.3, NM_000244.4 and 5 more transcripts); c.679-1G>A (NM_001407148.1, NM_001407149.1, NM_001407151.1 and 2 more transcripts); c.784-1G>A (NM_130799.3, NM_001407144.1, NM_001370260.2 and 7 more transcripts).
Identifiers: ClinVar variation 841007 (VCV000841007.8), dbSNP rs1555165377, ClinGen allele CA381184027.

ClinVar aggregate classification (germline): Likely pathogenic (1 of 4 stars; one submission).

Conditions:
Multiple endocrine neoplasia, type 1 (MEN1). Also called: MEA I; MEN I; WERMER SYNDROME; Endocrine adenomatosis multiple; MEN 1. Identifiers: Orphanet 652, MedGen C0025267, MeSH D018761, MONDO:0007540, OMIM 131100.

Submission:

Labcorp Genetics (formerly Invitae), Labcorp
Classification: Likely pathogenic for Multiple endocrine neoplasia, type 1. Last evaluated: 2019-05-14. Review status: criteria provided, single submitter. Criteria: Invitae Variant Classification Sherloc (09022015). Collection method: clinical testing. Allele origin: germline.
Comment: In summary, the currently available evidence indicates that the variant is pathogenic, but additional data are needed to prove that conclusively. Therefore, this variant has been classified as Likely Pathogenic. Donor and acceptor splice site variants typically lead to a loss of protein function (PMID: 16199547), and loss-of-function variants in MEN1 are known to be pathogenic (PMID: 12112656, 17853334). Algorithms developed to predict the effect of sequence changes on RNA splicing suggest that this variant may disrupt the consensus splice site, but this prediction has not been confirmed by published transcriptional studies. Disruption of this splice site has been observed in individuals, undergoing testing for multiple endocrine neoplasia (PMID: 15714081, 9683585). This variant is also known as IVS4-1 AG>AA in the literature. This variant is not present in population databases (ExAC no frequency). This sequence change affects an acceptor splice site in intron 4 of the MEN1 gene. It is expected to disrupt RNA splicing and likely results in an absent or disrupted protein product.

Literature cited by the submitters: PubMed 16199547; PubMed 12112656; PubMed 17853334; PubMed 15714081; PubMed 9683585.